The following is an entry in ClinVar:

ClinVar aggregate classification (germline): Likely benign (1 of 4 stars; one submission).

Conditions:
CFTR-related disorder (CFTR-RD). Also called: CFTR-related disorders; CFTR-related condition. Identifiers: MedGen C5924204, MONDO:7770004.

Submission:

PreventionGenetics, part of Exact Sciences
Classification: Likely benign for CFTR-related condition. Last evaluated: 2025-10-31. Review status: criteria provided, single submitter. Criteria: ACMG Guidelines, 2015. Collection method: clinical testing. Allele origin: germline.
Comment: This variant is classified as likely benign based on ACMG/AMP sequence variant interpretation guidelines (Richards et al. 2015 PMID: 25741868, with internal and published modifications).

NM_000492.4(CFTR):c.1392+5_1392+6insC

Genes: CFTR (CF transmembrane conductance regulator; plus strand), CFTR-AS1 (CFTR antisense RNA 1; minus strand). Cytogenetic location: 7q31.2.
Variant type: Insertion.
Coding change: c.1392+5_1392+6insC on transcript NM_000492.4 (MANE Select); bases 5 to 6 of the intron after coding-DNA position 1392, C inserted.
Molecular consequence: intron variant.
Genome position: GRCh38 VCF-style: chr7-117548828-T-TC. GRCh37 (hg19) VCF-style: chr7-117188882-T-TC.
Identifiers: ClinVar variation 4986228 (VCV004986228.1).